The following is an entry in ClinVar:

NM_174912.4(FAAH2):c.434del (p.Leu145fs)

Gene: FAAH2 (fatty acid amide hydrolase 2; plus strand). Cytogenetic location: Xp11.21.
Variant type: Deletion.
Coding change: c.434del on transcript NM_174912.4 (MANE Select); coding-DNA position 434, one base deleted (T; older notation c.434delT).
Protein change: p.Leu145fs; shifts the reading frame from leucine 145.
Molecular consequence: frameshift variant. On other transcripts: non-coding transcript variant (2), intron variant (1).
Genome position (GRCh38, 1-based): chrX:57,331,619, T deleted. VCF-style (leftmost placement, unchanged base first): chrX-57331618-CT-C. GRCh37 (hg19) VCF-style: chrX-57358051-CT-C.
Other names: c.434del, p.Leu145fs (NM_001353840.1); c.413-9652del (NM_001353841.1); short protein forms L145fs.
Identifiers: ClinVar variation 3346805 (VCV003346805.1).

ClinVar aggregate classification (germline): Uncertain significance (0 of 4 stars; one submission).

Conditions:
FAAH2-related disorder. Also called: FAAH2-related condition.

Submission:

PreventionGenetics, part of Exact Sciences
Classification: Uncertain significance for FAAH2-related condition. Last evaluated: 2024-09-17. Review status: no assertion criteria provided. Collection method: clinical testing. Allele origin: germline.
Comment: The FAAH2 c.434delT variant is predicted to result in a frameshift and premature protein termination (p.Leu145Profs*2). To our knowledge, this variant has not been reported in the literature or in a large population database, indicating this variant is rare. At this time, the clinical significance of this variant is uncertain due to the absence of conclusive functional and genetic evidence.